The following is an entry in ClinVar:

ClinVar aggregate classification (germline): Pathogenic (1 of 4 stars; one submission).

Conditions:
Neurofibromatosis, type 2 (SWNV). Also called: BILATERAL ACOUSTIC NEUROFIBROMATOSIS; SCHWANNOMATOSIS, VESTIBULAR; NF2-Related Schwannomatosis. Identifiers: Orphanet 637, MedGen C0027832, MONDO:0007039, OMIM 101000. Disease mechanism: loss of function.

Submission:

Labcorp Genetics (formerly Invitae), Labcorp
Classification: Pathogenic for Neurofibromatosis, type 2. Last evaluated: 2022-07-14. Review status: criteria provided, single submitter. Criteria: Invitae Variant Classification Sherloc (09022015). Collection method: clinical testing. Allele origin: germline.
Comment: A gross deletion of the genomic region encompassing the full coding sequence of the NF2 gene has been identified. Loss-of-function variants in NF2 are known to be pathogenic (PMID: 9643284, 16983642). The boundaries of this event are unknown as they extend beyond the assayed region for this gene and therefore may encompass additional genes. A similar copy number variant has been observed in individual(s) with neurofibromatosis type 2 (PMID: 9817927, 10220142, 15645494). For these reasons, this variant has been classified as Pathogenic.

Literature cited by the submitters: PubMed 9643284; PubMed 16983642; PubMed 9817927; PubMed 10220142; PubMed 15645494.

NC_000022.10:g.(?_29999988)_(30090791_?)del

Gene: NF2 (NF2, moesin-ezrin-radixin like (MERLIN) tumor suppressor; plus strand). Cytogenetic location: 22q12.2.
Variant type: Deletion.
Identifiers: ClinVar variation 1070379 (VCV001070379.2).